The following is an entry in ClinVar:

ClinVar aggregate classification (germline): Pathogenic. Review status: criteria provided, multiple submitters, no conflicts (2 of 4 stars). 2 submissions from 2 submitters: Pathogenic (2). Last evaluated 2024-05-08.

Conditions:
Autosomal recessive limb-girdle muscular dystrophy. Identifiers: Orphanet 102015, MedGen C2931907, MONDO:0015152.
Neuromuscular disease caused by qualitative or quantitative defects of dysferlin. Also called: Qualitative or quantitative defects of dysferlin; Dysferlinopathy. Identifiers: Orphanet 207073, MedGen C2931687, MONDO:0016145.

Submissions (2):

Myriad Genetics, Inc.
Classification: Pathogenic for Autosomal recessive limb-girdle muscular dystrophy. Last evaluated: 2024-05-08. Review status: criteria provided, single submitter. Criteria: Myriad Autosomal Dominant, Autosomal Recessive and X-Linked Classification Criteria (2023). Collection method: clinical testing. Allele origin: unknown.
Comment: NM_003494.3(DYSF):c.1471G>T(E491*) is expected to be pathogenic in the context of dysferlinopathy. This variant is predicted to lead to an abnormal or absent protein product due to the creation of a premature termination codon in DYSF, a gene where loss-of-function variants are known to be pathogenic. Please note: this variant was assessed in the context of healthy population screening.

Labcorp Genetics (formerly Invitae), Labcorp
Classification: Pathogenic for Qualitative or quantitative defects of dysferlin. Last evaluated: 2019-05-22. Review status: criteria provided, single submitter. Criteria: Invitae Variant Classification Sherloc (09022015). Collection method: clinical testing. Allele origin: germline.
Comment: This sequence change creates a premature translational stop signal (p.Glu491*) in the DYSF gene. It is expected to result in an absent or disrupted protein product. This variant is not present in population databases (ExAC no frequency). This variant has not been reported in the literature in individuals with DYSF-related conditions. Loss-of-function variants in DYSF are known to be pathogenic (PMID: 17698709, 20301480). For these reasons, this variant has been classified as Pathogenic.

NM_001130987.2(DYSF):c.1567G>T (p.Glu523Ter)

Gene: DYSF (dysferlin; plus strand). Cytogenetic location: 2p13.2.
Variant type: single nucleotide variant.
Coding change: c.1567G>T on transcript NM_001130987.2 (MANE Select); coding-DNA position 1567, G replaced by T.
Protein change: p.Glu523Ter; replaces glutamic acid 523 with a stop codon.
Molecular consequence: nonsense.
Genome position (GRCh38, 1-based): chr2:71,539,230, G>T. VCF-style: chr2-71539230-G-T. GRCh37 (hg19) VCF-style: chr2-71766360-G-T.
Other names: c.1471G>T, p.Glu491Ter (NM_003494.4, NM_001130976.2, NM_001130977.2 and 1 more transcripts); c.1474G>T, p.Glu492Ter (NM_001130455.2, NM_001130983.2, NM_001130984.2 and 1 more transcripts); c.1564G>T, p.Glu522Ter (NM_001130979.2, NM_001130980.2, NM_001130981.2); c.1567G>T, p.Glu523Ter (NM_001130982.2, NM_001130985.2); short protein forms E491*, E522*, E492*, E523*.
Identifiers: ClinVar variation 945128 (VCV000945128.2), dbSNP rs2089684117, ClinGen allele CA347216834.